The following is an entry in ClinVar:

ClinVar aggregate classification (germline): Uncertain significance (1 of 4 stars; one submission).

Conditions:
Hemochromatosis type 4 (HFE4). Also called: HEMOCHROMATOSIS DUE TO DEFECT IN FERROPORTIN; HEMOCHROMATOSIS, AUTOSOMAL DOMINANT; Ferroportin disease. Identifiers: Orphanet 139491, Orphanet 647834, Orphanet 648562, MedGen C1853733, MONDO:0011631, OMIM 606069.

Allele frequency attached by ClinVar (database versions not stated): gnomAD exomes below 0.00001.
gnomAD v4.1: 1 of 1,614,094 alleles (0.000062%); highest among the groups gnomAD compares: Non-Finnish European, 0.000085%; no homozygotes.

Submission:

Labcorp Genetics (formerly Invitae), Labcorp
Classification: Uncertain significance for Hemochromatosis type 4. Last evaluated: 2023-06-05. Review status: criteria provided, single submitter. Criteria: Invitae Variant Classification Sherloc (09022015). Collection method: clinical testing. Allele origin: germline.
Comment: This variant has not been reported in the literature in individuals affected with SLC40A1-related conditions. This variant is not present in population databases (gnomAD no frequency). This sequence change replaces phenylalanine, which is neutral and non-polar, with leucine, which is neutral and non-polar, at codon 49 of the SLC40A1 protein (p.Phe49Leu). Advanced modeling of protein sequence and biophysical properties (such as structural, functional, and spatial information, amino acid conservation, physicochemical variation, residue mobility, and thermodynamic stability) performed at Invitae indicates that this missense variant is not expected to disrupt SLC40A1 protein function. In summary, the available evidence is currently insufficient to determine the role of this variant in disease. Therefore, it has been classified as a Variant of Uncertain Significance.

NM_014585.6(SLC40A1):c.145T>C (p.Phe49Leu)

Gene: SLC40A1 (solute carrier family 40 member 1; minus strand). Cytogenetic location: 2q32.2.
Variant type: single nucleotide variant.
Coding change: c.145T>C on transcript NM_014585.6 (MANE Select); coding-DNA position 145, T replaced by C.
Protein change: p.Phe49Leu; replaces phenylalanine 49 with leucine.
Molecular consequence: missense variant.
Genome position (GRCh38, 1-based): chr2:189,575,287, A>G on the plus strand (T>C on the coding strand, the complement: SLC40A1 is on the minus strand). VCF-style: chr2-189575287-A-G. GRCh37 (hg19) VCF-style: chr2-190440013-A-G.
Other names: short protein forms F49L.
Identifiers: ClinVar variation 2772557 (VCV002772557.3), dbSNP rs2468780568, ClinGen allele CA349989854.